The following is an entry in ClinVar:

ClinVar aggregate classification (germline): Likely pathogenic (1 of 4 stars; one submission).

Conditions:
Myofibrillar myopathy 7. Identifiers: MedGen C4310711, MONDO:0014922, OMIM 617114.

Submission:

Kariminejad - Najmabadi Pathology & Genetics Center
Classification: Likely pathogenic for Myofibrillar myopathy 7. Last evaluated: 2023-11-21. Review status: criteria provided, single submitter. Criteria: ACMG Guidelines, 2015. Collection method: clinical testing. Allele origin: germline. Inheritance: Autosomal recessive inheritance. Affected: yes. Observed: 2 variant alleles.
Comment: PM2,PVS1-strong?,PM1?

NM_178554.6(KY):c.408del (p.Trp137fs)

Genes: CEP63 (centrosomal protein 63; plus strand), KY (kyphoscoliosis peptidase; minus strand). Cytogenetic location: 3q22.2.
Variant type: Deletion.
Coding change: c.408del on transcript NM_178554.6 (MANE Select); coding-DNA position 408, one base deleted (C; older notation c.408delC).
Protein change: p.Trp137fs; shifts the reading frame from tryptophan 137.
Molecular consequence: frameshift variant.
Genome position (GRCh38, 1-based): chr3:134,625,128, G deleted on the plus strand (C on the coding strand, the reverse complement: KY is on the minus strand); the first of 4 consecutive G bases (chr3:134,625,128-134,625,131); deleting any one gives the same sequence. VCF-style (leftmost placement, unchanged base first): chr3-134625127-AG-A. GRCh37 (hg19) VCF-style: chr3-134343969-AG-A.
Other names: c.360del, p.Trp121fs (NM_001350859.2); c.282del, p.Trp95fs (NM_001350860.2); c.345del, p.Trp116fs (NM_001366276.1); c.408del, p.Trp137fs (NM_001366277.2); c.408delC (NM_178554.6); short protein forms W116fs, W121fs, W137fs, W95fs.
Identifiers: ClinVar variation 3896971 (VCV003896971.1).